The following is an entry in ClinVar:

ClinVar aggregate classification (germline): Uncertain significance (1 of 4 stars; one submission).

Conditions:
Duchenne muscular dystrophy (DMD). Also called: MUSCULAR DYSTROPHY, PSEUDOHYPERTROPHIC PROGRESSIVE, DUCHENNE TYPE; Duchenne Muscular Dystrophy (DMD). Identifiers: Orphanet 98896, MedGen C0013264, MONDO:0010679, OMIM 310200.

Submission:

Labcorp Genetics (formerly Invitae), Labcorp
Classification: Uncertain significance for Duchenne muscular dystrophy. Last evaluated: 2023-10-11. Review status: criteria provided, single submitter. Criteria: Invitae Variant Classification Sherloc (09022015). Collection method: clinical testing. Allele origin: unknown.
Comment: This variant results in a copy number gain of the genomic region encompassing exon(s) 10-33 of the DMD gene. While the exact position of this variant cannot be determined from the data, sub-genic copy number gains are generally in tandem (PMID: 25640679). This variant is predicted to be in-frame, and likely preserves the integrity of the reading frame. This variant has not been reported in the literature in individuals affected with DMD-related conditions. Experimental studies and prediction algorithms are not available or were not evaluated, and the functional significance of this variant is currently unknown. In summary, the available evidence is currently insufficient to determine the role of this variant in disease. Therefore, it has been classified as a Variant of Uncertain Significance.

Literature cited by the submitters: PubMed 25640679.

NC_000023.10:g.(?_32404407)_(32669194_?)dup

Gene: DMD (dystrophin; minus strand). Cytogenetic location: Xp21.1.
Variant type: Duplication.
Identifiers: ClinVar variation 3242798 (VCV003242798.1).